The following is an entry in ClinVar:

ClinVar aggregate classification (germline): Likely benign. Review status: criteria provided, multiple submitters, no conflicts (2 of 4 stars). 2 submissions from 2 submitters: Likely benign (2). Last evaluated 2017-04-27.

Conditions:
Intellectual developmental disorder, autosomal recessive 1. Also called: Intellectual disability, autosomal recessive 1; MENTAL RETARDATION, AUTOSOMAL RECESSIVE 1. Identifiers: Orphanet 88616, MedGen C1855304, MONDO:0009580, OMIM 249500.

Allele frequency attached by ClinVar (database versions not stated): TOPMed 0.01407; gnomAD exomes 0.01763; 1000 Genomes Project 0.01777; 1000 Genomes Project 30x 0.01655; gnomAD 0.01475 and 0.01464.
gnomAD v4.1: 10,066 of 595,982 alleles (1.7%); highest among the groups gnomAD compares: South Asian, 2.8%; 128 homozygotes.

Submissions (2):

Illumina Laboratory Services, Illumina
Classification: Likely benign for Intellectual developmental disorder, autosomal recessive 1. Last evaluated: 2017-04-27. Review status: criteria provided, single submitter. Criteria: ICSL Variant Classification Criteria 13 December 2019. Collection method: clinical testing. Allele origin: germline.
Comment: This variant was observed as part of a predisposition screen in an ostensibly healthy population. A literature search was performed for the gene, cDNA change, and amino acid change (where applicable). No publications were found based on this search. Allele frequency data from public databases allowed determination this variant is unlikely to cause disease. Therefore, this variant is classified as likely benign.

Breakthrough Genomics
Classification: Likely benign. Review status: criteria provided, single submitter. Criteria: ACMG Guidelines, 2015. Collection method: not provided. Allele origin: germline. Inheritance: Autosomal recessive inheritance. Affected: yes.

NM_003619.4(PRSS12):c.*208C>T

Gene: PRSS12 (serine protease 12; minus strand). Cytogenetic location: 4q26.
Variant type: single nucleotide variant.
Coding change: c.*208C>T on transcript NM_003619.4 (MANE Select); 208 bases downstream of the stop codon, C replaced by T.
Molecular consequence: 3 prime UTR variant.
Genome position (GRCh38, 1-based): chr4:118,281,728, G>A on the plus strand (C>T on the coding strand, the complement: PRSS12 is on the minus strand). VCF-style: chr4-118281728-G-A. GRCh37 (hg19) VCF-style: chr4-119202883-G-A.
Identifiers: ClinVar variation 347389 (VCV000347389.6), dbSNP rs142775631, ClinGen allele CA10617828.